The following is an entry in ClinVar:

ClinVar aggregate classification (germline): Uncertain significance (1 of 4 stars; one submission).

Conditions:
Aicardi-Goutieres syndrome 5. Identifiers: Orphanet 51, MedGen C2749659, MONDO:0013059, OMIM 612952.

Allele frequency attached by ClinVar (database versions not stated): gnomAD exomes below 0.00001; TOPMed below 0.00001.
gnomAD v4.1: 1 of 1,614,150 alleles (0.000062%); highest among the groups gnomAD compares: Non-Finnish European, 0.000085%; no homozygotes.

Submission:

Labcorp Genetics (formerly Invitae), Labcorp
Classification: Uncertain significance for Aicardi-Goutieres syndrome 5. Last evaluated: 2022-02-19. Review status: criteria provided, single submitter. Criteria: Invitae Variant Classification Sherloc (09022015). Collection method: clinical testing. Allele origin: germline.
Comment: In summary, the available evidence is currently insufficient to determine the role of this variant in disease. Therefore, it has been classified as a Variant of Uncertain Significance. Algorithms developed to predict the effect of missense changes on protein structure and function output the following: SIFT: "Tolerated"; PolyPhen-2: "Benign"; Align-GVGD: "Class C0". The phenylalanine amino acid residue is found in multiple mammalian species, which suggests that this missense change does not adversely affect protein function. This variant has not been reported in the literature in individuals affected with SAMHD1-related conditions. This variant is not present in population databases (gnomAD no frequency). This sequence change replaces leucine, which is neutral and non-polar, with phenylalanine, which is neutral and non-polar, at codon 540 of the SAMHD1 protein (p.Leu540Phe).

NM_015474.4(SAMHD1):c.1618C>T (p.Leu540Phe)

Gene: SAMHD1 (SAM and HD domain containing deoxynucleoside triphosphate triphosphohydrolase 1; minus strand). Cytogenetic location: 20q11.23.
Variant type: single nucleotide variant.
Coding change: c.1618C>T on transcript NM_015474.4 (MANE Select); coding-DNA position 1618, C replaced by T.
Protein change: p.Leu540Phe; replaces leucine 540 with phenylalanine.
Molecular consequence: missense variant.
Genome position (GRCh38, 1-based): chr20:36,897,950, G>A on the plus strand (C>T on the coding strand, the complement: SAMHD1 is on the minus strand). VCF-style: chr20-36897950-G-A. GRCh37 (hg19) VCF-style: chr20-35526353-G-A.
Other names: c.1513C>T, p.Leu505Phe (NM_001363729.2); c.1618C>T, p.Leu540Phe (NM_001363733.2); short protein forms L505F, L540F.
Identifiers: ClinVar variation 2099560 (VCV002099560.4), dbSNP rs1990227913, ClinGen allele CA408839594.